The following is an entry in ClinVar:

ClinVar aggregate classification (germline): Likely benign. Review status: criteria provided, multiple submitters, no conflicts (2 of 4 stars). 2 submissions from 2 submitters: Likely benign (2). Last evaluated 2026-07-01.

Allele frequency attached by ClinVar (database versions not stated): 1000 Genomes Project 0.00100; 1000 Genomes Project 30x 0.00125; gnomAD 0.00171; TOPMed 0.00176; ESP Exome Variant Server 0.00237; ExAC 0.00257; gnomAD exomes 0.00266.
gnomAD v4.1: 3,982 of 1,566,706 alleles (0.25%); highest among the groups gnomAD compares: Non-Finnish European, 0.3%; 6 homozygotes.

Submissions (2):

CeGaT Center for Human Genetics Tuebingen
Classification: Likely benign. Last evaluated: 2026-07-01. Review status: criteria provided, single submitter. Criteria: CeGaT Center For Human Genetics Tuebingen Variant Classification Criteria Version 2. Collection method: clinical testing. Allele origin: germline. Affected: yes. Observed: 3 variant alleles.
Comment: CFAP65: BP4, BP7

Blueprint Genetics
Classification: Likely benign. Last evaluated: 2024-11-13. Review status: criteria provided, single submitter. Criteria: ACMG Guidelines, 2015. Collection method: clinical testing. Allele origin: germline.

NM_194302.4(CFAP65):c.5763T>C (p.Pro1921=)

Genes: CFAP65 (cilia and flagella associated protein 65; minus strand), CFAP65-AS1 (CFAP65 antisense RNA 1; plus strand). Cytogenetic location: 2q35.
Variant type: single nucleotide variant.
Coding change: c.5763T>C on transcript NM_194302.4 (MANE Select); coding-DNA position 5763, T replaced by C.
Protein change: p.Pro1921=; no amino-acid change (proline 1921 retained).
Molecular consequence: synonymous variant.
Genome position (GRCh38, 1-based): chr2:219,002,952, A>G on the plus strand (T>C on the coding strand, the complement: CFAP65 is on the minus strand). VCF-style: chr2-219002952-A-G. GRCh37 (hg19) VCF-style: chr2-219867674-A-G.
Identifiers: ClinVar variation 2651902 (VCV002651902.25), dbSNP rs143844742, ClinGen allele CA2114600.